The following is an entry in ClinVar:

ClinVar aggregate classification (germline): Benign. Review status: criteria provided, multiple submitters, no conflicts (2 of 4 stars). 9 submissions from 9 submitters: Benign (8). 1 of the submissions does not count toward it. Last evaluated 2026-01-26.

Conditions:
Gnathodiaphyseal dysplasia (GDD). Also called: OSTEOGENESIS IMPERFECTA WITH UNUSUAL SKELETAL LESIONS; GNATHODIAPHYSEAL SCLEROSIS. Identifiers: Orphanet 53697, MedGen C1833736, MONDO:0008151, OMIM 166260.
Autosomal recessive limb-girdle muscular dystrophy type 2L (LGMDR12). Also called: Limb-Girdle Muscular Dystrophy R12 Anoctamin-5-Related (LGMD-R12); Limb-girdle muscular dystrophy, type 2L; MUSCULAR DYSTROPHY, LIMB-GIRDLE, AUTOSOMAL RECESSIVE 12. Identifiers: Orphanet 206549, MedGen C1969785, MONDO:0012652, OMIM 611307.
ANO5-Related Muscle Diseases. Identifiers: MedGen CN180644.

Allele frequency attached by ClinVar (database versions not stated): gnomAD exomes 0.00255; TOPMed 0.01030; ExAC 0.00305; gnomAD 0.00936 and 0.00992; 1000 Genomes Project 0.01498; ESP Exome Variant Server 0.01061; 1000 Genomes Project 30x 0.01640.
gnomAD v4.1: 2,886 of 1,613,966 alleles (0.18%); highest among the groups gnomAD compares: African/African-American, 3.3%; 47 homozygotes.

Submissions (9):

Labcorp Genetics (formerly Invitae), Labcorp
Classification: Benign for Autosomal recessive limb-girdle muscular dystrophy type 2L; Gnathodiaphyseal dysplasia. Last evaluated: 2026-01-26. Review status: criteria provided, single submitter. Criteria: Invitae Variant Classification Sherloc (09022015). Collection method: clinical testing. Allele origin: germline.

ARUP Laboratories, Molecular Genetics and Genomics, ARUP Laboratories
Classification: Benign. Last evaluated: 2023-11-28. Review status: criteria provided, single submitter. Criteria: ARUP Molecular Germline Variant Investigation Process 2024. Collection method: clinical testing. Allele origin: germline.

Mayo Clinic Laboratories, Mayo Clinic
Classification: Benign. Last evaluated: 2022-10-21. Review status: criteria provided, single submitter. Criteria: ACMG Guidelines, 2015. Collection method: clinical testing. Allele origin: germline. Observed: 7 variant alleles.

Illumina Laboratory Services, Illumina
Classification: Benign for ANO5-Related Muscle Diseases. Last evaluated: 2018-01-13. Review status: criteria provided, single submitter. Criteria: ICSL Variant Classification Criteria 13 December 2019. Collection method: clinical testing. Allele origin: germline.
Comment: This variant was observed in the ICSL laboratory as part of a predisposition screen in an ostensibly healthy population. It had not been previously curated by ICSL or reported in the Human Gene Mutation Database (HGMD: prior to June 1st, 2018), and was therefore a candidate for classification through an automated scoring system. Utilizing variant allele frequency, disease prevalence and penetrance estimates, and inheritance mode, an automated score was calculated to assess if this variant is too frequent to cause the disease. Based on the score and internal cut-off values, a variant classified as benign is not then subjected to further curation. The score for this variant resulted in a classification of benign for this disease.

GeneDx
Classification: Benign. Last evaluated: 2016-08-02. Review status: criteria provided, single submitter. Criteria: GeneDx Variant Classification (06012015). Collection method: clinical testing. Allele origin: germline. Affected: yes.
Comment: This variant is considered likely benign or benign based on one or more of the following criteria: it is a conservative change, it occurs at a poorly conserved position in the protein, it is predicted to be benign by multiple in silico algorithms, and/or has population frequency not consistent with disease.

Laboratory for Molecular Medicine, Mass General Brigham Personalized Medicine
Classification: Benign. Last evaluated: 2015-01-13. Review status: criteria provided, single submitter. Criteria: LMM Criteria. Collection method: clinical testing. Allele origin: germline. Observed: 1 variant allele.
Comment: p.Asp343Asp in exon 11 of ANO5: This variant is not expected to have clinical si gnificance because it does not alter an amino acid residue and is not located wi thin the splice consensus sequence. It has been identified in 3.1% (137/4406) of African American chromosomes from a broad population by the NHLBI Exome Sequenc ing Project (dbSNP rs78899595).

Eurofins Ntd Llc (ga)
Classification: Benign. Last evaluated: 2013-09-25. Review status: criteria provided, single submitter. Criteria: EGL Classification Definitions 2015. Collection method: clinical testing. Allele origin: germline. Observed: 1 variant allele, 1 homozygote.

PreventionGenetics, part of Exact Sciences
Classification: Benign. Review status: criteria provided, single submitter. Criteria: ACMG Guidelines, 2015. Collection method: clinical testing. Allele origin: germline.

Genetic Services Laboratory, University of Chicago
Classification: Likely benign for AllHighlyPenetrant. Review status: no assertion criteria provided. Collection method: clinical testing. Allele origin: germline. Inheritance: Autosomal recessive inheritance. Not counted in ClinVar's aggregate classification.
Comment: Likely benign based on allele frequency in 1000 Genomes Project or ESP global frequency and its presence in a patient with a rare or unrelated disease phenotype. NOT Sanger confirmed.

NM_213599.3(ANO5):c.1029C>T (p.Asp343=)

Gene: ANO5 (anoctamin 5; plus strand). Cytogenetic location: 11p14.3.
Variant type: single nucleotide variant.
Coding change: c.1029C>T on transcript NM_213599.3 (MANE Select); coding-DNA position 1029, C replaced by T.
Protein change: p.Asp343=; no amino-acid change (aspartic acid 343 retained).
Molecular consequence: synonymous variant.
Genome position (GRCh38, 1-based): chr11:22,250,756, C>T. VCF-style: chr11-22250756-C-T. GRCh37 (hg19) VCF-style: chr11-22272302-C-T.
Other names: p.Asp343=; c.1026C>T, p.Asp342= (NM_001142649.2).
Identifiers: ClinVar variation 96677 (VCV000096677.34), dbSNP rs78899595, ClinGen allele CA149668.